The following is an entry in ClinVar:

ClinVar aggregate classification (germline): Uncertain significance. Review status: criteria provided, multiple submitters, no conflicts (2 of 4 stars). 2 submissions from 2 submitters: Uncertain significance (2). Last evaluated 2025-02-27.

Conditions:
Fibrous dysplasia of jaw (CRBM). Also called: Cherubism. Identifiers: Orphanet 184, MedGen C0008029, MONDO:0007315, OMIM 118400.

Allele frequency attached by ClinVar (database versions not stated): ExAC 0.00001; gnomAD 0.00002; TOPMed 0.00003.
gnomAD v4.1: 9 of 1,613,292 alleles (0.00056%); highest among the groups gnomAD compares: Admixed American, 0.0017%; no homozygotes.

Submissions (2):

Labcorp Genetics (formerly Invitae), Labcorp
Classification: Uncertain significance for Fibrous dysplasia of jaw. Last evaluated: 2025-02-27. Review status: criteria provided, single submitter. Criteria: Invitae Variant Classification Sherloc (09022015). Collection method: clinical testing. Allele origin: germline.
Comment: This sequence change replaces arginine, which is basic and polar, with glutamine, which is neutral and polar, at codon 83 of the SH3BP2 protein (p.Arg83Gln). The frequency data for this variant in the population databases is considered unreliable, as metrics indicate poor data quality at this position in the gnomAD database. This variant has not been reported in the literature in individuals affected with SH3BP2-related conditions. ClinVar contains an entry for this variant (Variation ID: 1981517). Invitae Evidence Modeling of protein sequence and biophysical properties (such as structural, functional, and spatial information, amino acid conservation, physicochemical variation, residue mobility, and thermodynamic stability) indicates that this missense variant is not expected to disrupt SH3BP2 protein function with a negative predictive value of 95%. In summary, the available evidence is currently insufficient to determine the role of this variant in disease. Therefore, it has been classified as a Variant of Uncertain Significance.

Department of Pathology and Laboratory Medicine, Sinai Health System
Classification: Uncertain significance for Fibrous dysplasia of jaw. Last evaluated: 2020-06-02. Review status: criteria provided, single submitter. Criteria: ACMG Guidelines, 2015. Collection method: research. Allele origin: germline.

NM_001122681.2(SH3BP2):c.248G>A (p.Arg83Gln)

Gene: SH3BP2 (SH3 domain binding protein 2; plus strand). Cytogenetic location: 4p16.3.
Variant type: single nucleotide variant.
Coding change: c.248G>A on transcript NM_001122681.2 (MANE Select); coding-DNA position 248, G replaced by A.
Protein change: p.Arg83Gln; replaces arginine 83 with glutamine.
Molecular consequence: missense variant.
Genome position (GRCh38, 1-based): chr4:2,824,621, G>A. VCF-style: chr4-2824621-G-A. GRCh37 (hg19) VCF-style: chr4-2826348-G-A.
Other names: c.332G>A, p.Arg111Gln (NM_001145855.2); c.419G>A, p.Arg140Gln (NM_001145856.2); c.248G>A, p.Arg83Gln (NM_003023.4); short protein forms R111Q, R83Q, R140Q.
Identifiers: ClinVar variation 1981517 (VCV001981517.5), dbSNP rs776318503, ClinGen allele CA2818990.
Genomic context (GRCh38, chr4:2,824,621, plus strand): 5'-GCCATCCCTATAGCTGTGAACCAGGCCGTGACCCCTGGCGCTGTGCCCCCAGGGTGATGC[G>A]GGCGGCTGAGGAGACCACGTCCAACAACGTTTTCCCCTTCAAGATCATCCATATCAGCAA-3'
Protein context (NP_001116153.1, residues 73-93): FSLSGYNRVM[Arg83Gln]AAEETTSNNV